The following is an entry in ClinVar:

NM_053025.4(MYLK):c.1814G>A (p.Ser605Asn)

Gene: MYLK (myosin light chain kinase; minus strand). Cytogenetic location: 3q21.1.
Variant type: single nucleotide variant.
Coding change: c.1814G>A on transcript NM_053025.4 (MANE Select); coding-DNA position 1814, G replaced by A.
Protein change: p.Ser605Asn; replaces serine 605 with asparagine.
Molecular consequence: missense variant.
Genome position (GRCh38, 1-based): chr3:123,709,884, C>T on the plus strand (G>A on the coding strand, the complement: MYLK is on the minus strand). VCF-style: chr3-123709884-C-T. GRCh37 (hg19) VCF-style: chr3-123428731-C-T.
Other names: c.1286G>A, p.Ser429Asn (NM_001321309.2); c.1607G>A, p.Ser536Asn (NM_053026.4, NM_053028.4); c.1814G>A, p.Ser605Asn (NM_053027.4); short protein forms S429N, S536N, S605N.
Identifiers: ClinVar variation 3367975 (VCV003367975.1).

ClinVar aggregate classification (germline): Uncertain significance (1 of 4 stars; one submission).

gnomAD v4.1: 7 of 1,614,122 alleles (0.00043%); highest among the groups gnomAD compares: Non-Finnish European, 0.00059%; no homozygotes.

Submission:

GeneDx
Classification: Uncertain significance. Last evaluated: 2024-01-17. Review status: criteria provided, single submitter. Criteria: GeneDx Variant Classification Process June 2021. Collection method: clinical testing. Allele origin: germline. Affected: yes.
Comment: Not observed at significant frequency in large population cohorts (gnomAD); In silico analysis supports that this missense variant does not alter protein structure/function; Has not been previously published as pathogenic or benign to our knowledge